The following is an entry in ClinVar:

NM_001287.6(CLCN7):c.*1589G>C

Gene: CLCN7 (chloride voltage-gated channel 7; minus strand). Cytogenetic location: 16p13.3.
Variant type: single nucleotide variant.
Coding change: c.*1589G>C on transcript NM_001287.6 (MANE Select); 1589 bases downstream of the stop codon, G replaced by C.
Molecular consequence: 3 prime UTR variant.
Genome position (GRCh38, 1-based): chr16:1,445,042, C>G on the plus strand (G>C on the coding strand, the complement: CLCN7 is on the minus strand). VCF-style: chr16-1445042-C-G. GRCh37 (hg19) VCF-style: chr16-1495043-C-G.
Other names: c.*1589G>C (NM_001114331.3).
Identifiers: ClinVar variation 317906 (VCV000317906.5), dbSNP rs532736933, ClinGen allele CA10647812.

ClinVar aggregate classification (germline): Likely benign (1 of 4 stars; one submission).

Conditions:
Osteopetrosis. Identifiers: Orphanet 2781, MedGen C0029454, MONDO:0017198, HP:0011002.

Allele frequency attached by ClinVar (database versions not stated): gnomAD 0.00001 and 0.00015; TOPMed 0.00002; 1000 Genomes Project 30x 0.00141; 1000 Genomes Project 0.00160.

Submission:

Illumina Laboratory Services, Illumina
Classification: Likely benign for Osteopetrosis. Last evaluated: 2018-01-13. Review status: criteria provided, single submitter. Criteria: ICSL Variant Classification Criteria 13 December 2019. Collection method: clinical testing. Allele origin: germline.
Comment: This variant was observed in the ICSL laboratory as part of a predisposition screen in an ostensibly healthy population. It had not been previously curated by ICSL or reported in the Human Gene Mutation Database (HGMD: prior to June 1st, 2018), and was therefore a candidate for classification through an automated scoring system. Utilizing variant allele frequency, disease prevalence and penetrance estimates, and inheritance mode, an automated score was calculated to assess if this variant is too frequent to cause the disease. Based on the score and internal cut-off values, a variant classified as likely benign is not then subjected to further curation. The score for this variant resulted in a classification of likely benign for this disease.